The following is an entry in ClinVar:

NM_000193.4(SHH):c.714C>A (p.Phe238Leu)

Gene: SHH (sonic hedgehog signaling molecule; minus strand). Cytogenetic location: 7q36.3.
Variant type: single nucleotide variant.
Coding change: c.714C>A on transcript NM_000193.4 (MANE Select); coding-DNA position 714, C replaced by A.
Protein change: p.Phe238Leu; replaces phenylalanine 238 with leucine.
Molecular consequence: missense variant. On other transcripts: intron variant (1).
Genome position (GRCh38, 1-based): chr7:155,803,575, G>T on the plus strand (C>A on the coding strand, the complement: SHH is on the minus strand). VCF-style: chr7-155803575-G-T. GRCh37 (hg19) VCF-style: chr7-155596269-G-T.
Other names: c.301+2721C>A (NM_001310462.2); short protein forms F238L.
Identifiers: ClinVar variation 4278899 (VCV004278899.1).

ClinVar aggregate classification (germline): Uncertain significance (1 of 4 stars; one submission).

Submission:

GeneDx
Classification: Uncertain significance. Last evaluated: 2025-04-01. Review status: criteria provided, single submitter. Criteria: GeneDx Variant Classification Process June 2021. Collection method: clinical testing. Allele origin: germline. Affected: yes.
Comment: Not observed at significant frequency in large population cohorts (gnomAD); In silico analysis supports that this missense variant has a deleterious effect on protein structure/function; Has not been previously published as pathogenic or benign to our knowledge